The following is an entry in ClinVar:

NM_003482.4(KMT2D):c.10809GCA[6] (p.Gln3612_His3613insGln)

Gene: KMT2D (lysine methyltransferase 2D; minus strand). Cytogenetic location: 12q13.12.
Variant type: Microsatellite.
Coding change: c.10809GCA[6] on transcript NM_003482.4 (MANE Select); six copies in a row of the 3-base unit GCA starting at c.10809; the reference has five copies in a row; one copy, 3 bases duplicated.
Protein change: p.Gln3612_His3613insGln.
Molecular consequence: inframe insertion.
Genome position (GRCh38, 1-based): chr12:49,033,882-49,033,884, TGC duplicated on the plus strand (GCA on the coding strand, the reverse complement: KMT2D is on the minus strand); duplicating any 3 consecutive bases within chr12:49,033,882-49,033,898 gives the same sequence; the position shown is the placement nearest the transcript's 3' end. VCF-style (leftmost placement, unchanged base first): chr12-49033881-T-TTGC. GRCh37 (hg19) VCF-style: chr12-49427664-T-TTGC.
Identifiers: ClinVar variation 3622696 (VCV003622696.2).
Genomic context (GRCh38, chr12:49,033,881, plus strand): 5'-GAGCAGCCGGGGACTCTGGGAAGGGCTGAGAGCCAGCACAGCTGAGTGCTGTTGCTGTTG[T>TTGC]TGCTGCTGCTGCTGCTGTTGTTGCTGCTGCTTGTTCCGATATTCTGCCATGAGATTAGTG-3'

ClinVar aggregate classification (germline): Uncertain significance (1 of 4 stars; one submission).

Conditions:
Kabuki syndrome. Also called: NIIKAWA-KUROKI SYNDROME; Kabuki make-up syndrome. Identifiers: Orphanet 2322, MedGen C0796004, MONDO:0016512.

Submission:

Labcorp Genetics (formerly Invitae), Labcorp
Classification: Uncertain significance for Kabuki syndrome. Last evaluated: 2025-05-28. Review status: criteria provided, single submitter. Criteria: Invitae Variant Classification Sherloc (09022015). Collection method: clinical testing. Allele origin: germline.
Comment: This variant, c.10821_10823dup, results in the insertion of 1 amino acid(s) of the KMT2D protein (p.Gln3612dup), but otherwise preserves the integrity of the reading frame. The frequency data for this variant in the population databases is considered unreliable, as metrics indicate poor data quality at this position in the gnomAD database. This variant has been observed in individual(s) with Kabuki syndrome (PMID: 28884922). In summary, the available evidence is currently insufficient to determine the role of this variant in disease. Therefore, it has been classified as a Variant of Uncertain Significance.

Literature cited by the submitters: PubMed 28884922.